The following is an entry in ClinVar:

ClinVar aggregate classification (germline): Uncertain significance (1 of 4 stars; one submission).

Conditions:
Congenital myasthenic syndrome 15. Also called: Myasthenic syndrome, congenital, 15, without tubular aggregates. Identifiers: Orphanet 353327, Orphanet 590, MedGen C4015596, MONDO:0014542, OMIM 616227.

Submission:

Labcorp Genetics (formerly Invitae), Labcorp
Classification: Uncertain significance for Congenital myasthenic syndrome 15. Last evaluated: 2021-05-31. Review status: criteria provided, single submitter. Criteria: Invitae Variant Classification Sherloc (09022015). Collection method: clinical testing. Allele origin: germline.
Comment: A copy number gain of the genomic region encompassing the full coding sequence of the ALG14 gene has been identified. The boundaries of this event are unknown as they extend beyond the assayed region for this gene and therefore may encompass additional genes. As the precise location of this event is unknown, it may be in tandem or it may be located elsewhere in the genome. In summary, the available evidence is currently insufficient to determine the role of this variant in disease. Therefore, it has been classified as a Variant of Uncertain Significance. This variant has not been reported in the literature in individuals with ALG14-related conditions.

NC_000001.10:g.(?_95448632)_(95538454_?)dup

Gene: ALG14 (ALG14 UDP-N-acetylglucosaminyltransferase subunit; minus strand). Cytogenetic location: 1p21.3.
Variant type: Duplication.
Identifiers: ClinVar variation 1444164 (VCV001444164.4).